The following is an entry in ClinVar:

NM_000179.3(MSH6):c.3829_3838del (p.Asp1277fs)

Gene: MSH6 (mutS homolog 6; plus strand). Cytogenetic location: 2p16.3.
Variant type: Deletion.
Coding change: c.3829_3838del on transcript NM_000179.3 (MANE Select); coding-DNA positions 3829 to 3838, 10 bases deleted (GACCCCAGCC; older notation c.3829_3838delGACCCCAGCC).
Protein change: p.Asp1277fs; shifts the reading frame from aspartic acid 1277.
Molecular consequence: frameshift variant. On other transcripts: non-coding transcript variant (5), intron variant (1).
Genome position (GRCh38, 1-based): chr2:47,806,479-47,806,488, GACCCCAGCC deleted. VCF-style (leftmost placement, unchanged base first): chr2-47806478-AGACCCCAGCC-A. GRCh37 (hg19) VCF-style: chr2-48033617-AGACCCCAGCC-A.
Other names: c.3439_3448del, p.Asp1147fs (NM_001281492.2); c.2923_2932del, p.Asp975fs (NM_001281493.2, NM_001281494.2, NM_001406811.1 and 6 more transcripts); c.3925_3934del, p.Asp1309fs (NM_001406795.1); c.3829_3838del, p.Asp1277fs (NM_001406796.1, NM_001406808.1, NM_001406809.1); c.3532_3541del, p.Asp1178fs (NM_001406797.1, NM_001406801.1, NM_001406805.1 and 10 more transcripts); c.3655_3664del, p.Asp1219fs (NM_001406798.1); c.3304_3313del, p.Asp1102fs (NM_001406799.1, NM_001406806.1, NM_001406807.1); c.3816_3825del, p.Thr1273fs (NM_001406800.1); and 9 more; short protein forms D1178fs, D1277fs, D204fs, D975fs, D1147fs, D1219fs, D1251fs, D1279fs.
Identifiers: ClinVar variation 4734791 (VCV004734791.1).

ClinVar aggregate classification (germline): Pathogenic (1 of 4 stars; one submission).

Conditions:
Hereditary nonpolyposis colorectal neoplasms. Identifiers: MedGen C0009405, MeSH D003123.

Submission:

Labcorp Genetics (formerly Invitae), Labcorp
Classification: Pathogenic for Hereditary nonpolyposis colorectal neoplasms. Last evaluated: 2026-01-06. Review status: criteria provided, single submitter. Criteria: Invitae Variant Classification Sherloc (09022015). Collection method: clinical testing. Allele origin: germline.
Comment: This sequence change creates a premature translational stop signal (p.Asp1277Argfs*47) in the MSH6 gene. While this is not anticipated to result in nonsense mediated decay, it is expected to disrupt the last 84 amino acid(s) of the MSH6 protein. This variant is not present in population databases (gnomAD no frequency). This variant has not been reported in the literature in individuals affected with MSH6-related conditions. Algorithms developed to predict the effect of sequence changes on RNA splicing suggest that this variant may disrupt the consensus splice site. This variant disrupts a region of the MSH6 protein in which other variant(s) (p.Arg1334Hisfs*14) have been determined to be pathogenic (PMID: 24323032). This suggests that this is a clinically significant region of the protein, and that variants that disrupt it are likely to be disease-causing. For these reasons, this variant has been classified as Pathogenic.

Literature cited by the submitters: PubMed 24323032.